The following is an entry in ClinVar:

ClinVar aggregate classification (germline): Benign/Likely benign. Review status: criteria provided, multiple submitters, no conflicts (2 of 4 stars). 3 submissions from 3 submitters: Benign (1); Likely benign (2). Last evaluated 2025-01-16.

Conditions:
Familial cancer of breast. Also called: hereditary breast carcinoma; BREAST CANCER, FAMILIAL; Hereditary breast cancer. Identifiers: Orphanet 227535, MedGen C0346153, MONDO:0016419, OMIM 114480. Disease mechanism: loss of function.
Hereditary cancer-predisposing syndrome. Also called: Hereditary Cancer Syndrome; Tumor predisposition; Neoplastic Syndromes, Hereditary; Hereditary neoplastic syndrome. Identifiers: Orphanet 140162, MedGen C0027672, MeSH D009386, MONDO:0015356.

Submissions (3):

Myriad Genetics, Inc.
Classification: Benign for Familial cancer of breast. Last evaluated: 2025-01-16. Review status: criteria provided, single submitter. Criteria: Myriad Autosomal Dominant, Autosomal Recessive and X-Linked Classification Criteria (2023). Collection method: clinical testing. Allele origin: unknown.
Comment: This variant is considered benign. This variant is a silent/synonymous amino acid change and it is not expected to impact splicing.

Ambry Genetics
Classification: Likely benign for Hereditary cancer-predisposing syndrome. Last evaluated: 2022-02-12. Review status: criteria provided, single submitter. Criteria: Ambry Variant Classification Scheme 2023. Collection method: clinical testing. Allele origin: germline.

Labcorp Genetics (formerly Invitae), Labcorp
Classification: Likely benign for Familial cancer of breast. Last evaluated: 2021-07-28. Review status: criteria provided, single submitter. Criteria: Invitae Variant Classification Sherloc (09022015). Collection method: clinical testing. Allele origin: germline.

NM_024675.4(PALB2):c.2451T>G (p.Thr817=)

Gene: PALB2 (partner and localizer of BRCA2; minus strand). Cytogenetic location: 16p12.2.
Variant type: single nucleotide variant.
Coding change: c.2451T>G on transcript NM_024675.4 (MANE Select); coding-DNA position 2451, T replaced by G.
Protein change: p.Thr817=; no amino-acid change (threonine 817 retained).
Molecular consequence: synonymous variant.
Genome position (GRCh38, 1-based): chr16:23,629,703, A>C on the plus strand (T>G on the coding strand, the complement: PALB2 is on the minus strand). VCF-style: chr16-23629703-A-C. GRCh37 (hg19) VCF-style: chr16-23641024-A-C.
Identifiers: ClinVar variation 1574547 (VCV001574547.12), dbSNP rs2142372740, ClinGen allele CA494460895.
Genomic context (GRCh38, chr16:23,629,703, plus strand): 5'-TTCGACGGAATGTTTATGCAGCTCCTGGCATGTGTTTCTACAGAGCTGATTTTCTTTAAA[A>C]GTGAATGACTCAATGGGTGGAGGTGTTCCTGGCGGGACAGAGTCACAGTCACAGGTAGGT-3'
Protein context (NP_078951.2, residues 807-827): PGTPPPIESF[Thr817=]FKENQLCRNT